The following is an entry in ClinVar:

ClinVar aggregate classification (germline): Conflicting classifications of pathogenicity. Review status: criteria provided, conflicting classifications (1 of 4 stars). 6 submissions from 6 submitters: Uncertain significance (2); Likely benign (3). 1 of the submissions does not count toward it. Last evaluated 2026-01-31.

Conditions:
PCLO-related disorder. Also called: PCLO-related condition.
Pontocerebellar hypoplasia type 3 (PCH3). Also called: CEREBELLAR ATROPHY WITH PROGRESSIVE MICROCEPHALY; PCH WITH OPTIC ATROPHY. Identifiers: Orphanet 97249, MedGen C1842687, MONDO:0011948, OMIM 608027.
Inborn genetic diseases. Identifiers: MedGen C0950123, MeSH D030342.

Allele frequency attached by ClinVar (database versions not stated): gnomAD exomes 0.00018 and 0.00040; ExAC 0.00034; 1000 Genomes Project 0.00140; 1000 Genomes Project 30x 0.00141; ESP Exome Variant Server 0.00162; gnomAD 0.00170 and 0.00180; TOPMed 0.00172.
gnomAD v4.1: 544 of 1,613,176 alleles (0.034%); highest among the groups gnomAD compares: African/African-American, 0.59%; 1 homozygote.

Submissions (6):

Labcorp Genetics (formerly Invitae), Labcorp
Classification: Likely benign. Last evaluated: 2026-01-31. Review status: criteria provided, single submitter. Criteria: Invitae Variant Classification Sherloc (09022015). Collection method: clinical testing. Allele origin: germline.

Ambry Genetics
Classification: Likely benign for Inborn genetic diseases. Last evaluated: 2024-03-30. Review status: criteria provided, single submitter. Criteria: Ambry Variant Classification Scheme 2023. Collection method: clinical testing. Allele origin: germline.

Women's Health and Genetics/Laboratory Corporation of America, LabCorp
Classification: Uncertain significance. Last evaluated: 2024-02-02. Review status: criteria provided, single submitter. Criteria: LabCorp Variant Classification Summary - May 2015. Collection method: clinical testing. Allele origin: germline.
Comment: Variant summary: PCLO c.1297G>A (p.Ala433Thr) results in a non-conservative amino acid change in the encoded protein sequence. Four of five in-silico tools predict a benign effect of the variant on protein function. The variant allele was found at a frequency of 0.00034 in 1613176 control chromosomes, predominantly at a frequency of 0.0059 within the African or African-American subpopulation in the gnomAD database, including 1 homozygotes. To our knowledge, no occurrence of c.1297G>A in individuals affected with Pontocerebellar Hypoplasia Type 3 and no experimental evidence demonstrating its impact on protein function have been reported. ClinVar contains an entry for this variant (Variation ID: 1013552). Based on the evidence outlined above, the variant was classified as uncertain significance.

CeGaT Center for Human Genetics Tuebingen
Classification: Likely benign. Last evaluated: 2022-09-01. Review status: criteria provided, single submitter. Criteria: CeGaT Center For Human Genetics Tuebingen Variant Classification Criteria Version 2. Collection method: clinical testing. Allele origin: germline. Affected: yes. Observed: 2 variant alleles.
Comment: PCLO: BP4, BS2

Baylor Genetics
Classification: Uncertain significance for Pontocerebellar hypoplasia type 3. Last evaluated: 2019-07-18. Review status: criteria provided, single submitter. Criteria: ACMG Guidelines, 2015. Collection method: clinical testing. Allele origin: unknown. Affected: yes.
Comment: This variant was determined to be of uncertain significance according to ACMG Guidelines, 2015 [PMID:25741868].

PreventionGenetics, part of Exact Sciences
Classification: Likely benign for PCLO-related condition. Last evaluated: 2022-07-20. Review status: no assertion criteria provided. Collection method: clinical testing. Allele origin: germline. Not counted in ClinVar's aggregate classification.
Comment: This variant is classified as likely benign based on ACMG/AMP sequence variant interpretation guidelines (Richards et al. 2015 PMID: 25741868, with internal and published modifications).

NM_033026.6(PCLO):c.1297G>A (p.Ala433Thr)

Gene: PCLO (piccolo presynaptic cytomatrix protein; minus strand). Cytogenetic location: 7q21.11.
Variant type: single nucleotide variant.
Coding change: c.1297G>A on transcript NM_033026.6 (MANE Select); coding-DNA position 1297, G replaced by A.
Protein change: p.Ala433Thr; replaces alanine 433 with threonine.
Molecular consequence: missense variant.
Genome position (GRCh38, 1-based): chr7:83,155,344, C>T on the plus strand (G>A on the coding strand, the complement: PCLO is on the minus strand). VCF-style: chr7-83155344-C-T. GRCh37 (hg19) VCF-style: chr7-82784660-C-T.
Other names: c.1297G>A, p.Ala433Thr (NM_014510.3); short protein forms A433T.
Identifiers: ClinVar variation 1013552 (VCV001013552.46), dbSNP rs201344475, ClinGen allele CA4321486.